The following is an entry in ClinVar:

ClinVar aggregate classification (germline): Benign. Review status: criteria provided, single submitter (1 of 4 stars). 3 submissions from 3 submitters: Benign (1). 2 of the submissions do not count toward it. Last evaluated 2018-06-19.

Allele frequency attached by ClinVar (database versions not stated): gnomAD 0.03085 and 0.03299; TOPMed 0.03429; 1000 Genomes Project 0.03554; 1000 Genomes Project 30x 0.03670.
gnomAD v4.1: 4,664 of 152,270 alleles (3.1%); highest among the groups gnomAD compares: African/African-American, 11%; 232 homozygotes.

Submissions (3):

GeneDx
Classification: Benign. Last evaluated: 2018-06-19. Review status: criteria provided, single submitter. Criteria: GeneDx Variant Classification (06012015). Collection method: clinical testing. Allele origin: germline. Affected: yes.
Comment: This variant is considered likely benign or benign based on one or more of the following criteria: it is a conservative change, it occurs at a poorly conserved position in the protein, it is predicted to be benign by multiple in silico algorithms, and/or has population frequency not consistent with disease.

Clinical Genetics DNA and cytogenetics Diagnostics Lab, Erasmus MC, Erasmus Medical Center
Classification: Benign. Review status: no assertion criteria provided. Collection method: clinical testing. Allele origin: germline. Affected: yes. Study: VKGL Data-share Consensus. Not counted in ClinVar's aggregate classification.

Joint Genome Diagnostic Labs from Nijmegen and Maastricht, Radboudumc and MUMC+
Classification: Benign. Review status: no assertion criteria provided. Collection method: clinical testing. Allele origin: germline. Affected: yes. Study: VKGL Data-share Consensus. Not counted in ClinVar's aggregate classification.

NM_000350.3(ABCA4):c.4539+2029C>G

Gene: ABCA4 (ATP binding cassette subfamily A member 4; minus strand). Cytogenetic location: 1p22.1.
Variant type: single nucleotide variant.
Coding change: c.4539+2029C>G on transcript NM_000350.3 (MANE Select); 2029 bases into the intron after coding-DNA position 4539, C replaced by G.
Molecular consequence: intron variant.
Genome position (GRCh38, 1-based): chr1:94,027,416, G>C on the plus strand (C>G on the coding strand, the complement: ABCA4 is on the minus strand). VCF-style: chr1-94027416-G-C. GRCh37 (hg19) VCF-style: chr1-94492972-G-C.
Identifiers: ClinVar variation 674086 (VCV000674086.4), dbSNP rs17110883, ClinGen allele CA26848190.